The following is an entry in ClinVar:

ClinVar aggregate classification (germline): Uncertain significance (1 of 4 stars; one submission).

Conditions:
Autosomal recessive limb-girdle muscular dystrophy type 2J (LGMDR10). Also called: Limb-girdle muscular dystrophy, type 2J; MUSCULAR DYSTROPHY, LIMB-GIRDLE, AUTOSOMAL RECESSIVE 10. Identifiers: Orphanet 140922, MedGen C1837342, MONDO:0012127, OMIM 608807.
Dilated cardiomyopathy 1G (CMD1G). Identifiers: Orphanet 154, MedGen C1858763, MONDO:0011400, OMIM 604145.

Submission:

Labcorp Genetics (formerly Invitae), Labcorp
Classification: Uncertain significance for Dilated cardiomyopathy 1G; Autosomal recessive limb-girdle muscular dystrophy type 2J. Last evaluated: 2023-10-28. Review status: criteria provided, single submitter. Criteria: Invitae Variant Classification Sherloc (09022015). Collection method: clinical testing. Allele origin: germline.
Comment: This sequence change affects an acceptor splice site in intron 9 of the TTN gene. It is expected to disrupt RNA splicing and likely results in a truncated or disrupted TTN protein. This variant is not present in population databases (gnomAD no frequency). This variant has not been reported in the literature in individuals affected with TTN-related conditions. Algorithms developed to predict the effect of sequence changes on RNA splicing suggest that this variant may disrupt the consensus splice site. This variant is located in the Z band of TTN (PMID: 25589632). Variants in this region may be clinically relevant, but have not been definitively shown to cause cardiomyopathy or neuromuscular disease (PMID: 27493940, 32778822). In summary, the available evidence is currently insufficient to determine the role of this variant in disease. Therefore, it has been classified as a Variant of Uncertain Significance.

Literature cited by the submitters: PubMed 25589632; PubMed 27493940; PubMed 32778822.

NM_001267550.2(TTN):c.1537-1G>C

Gene: TTN (titin; minus strand). Cytogenetic location: 2q31.2.
Variant type: single nucleotide variant.
Coding change: c.1537-1G>C on transcript NM_001267550.2 (MANE Select); the canonical splice acceptor site of the intron before coding-DNA position 1537, G replaced by C.
Molecular consequence: splice acceptor variant.
Genome position (GRCh38, 1-based): chr2:178,792,198, C>G on the plus strand (G>C on the coding strand, the complement: TTN is on the minus strand). VCF-style: chr2-178792198-C-G. GRCh37 (hg19) VCF-style: chr2-179656925-C-G.
Other names: c.1537-1G>C (NM_003319.4, NM_133437.4, NM_133432.3 and 3 more transcripts).
Identifiers: ClinVar variation 2953341 (VCV002953341.3), dbSNP rs2533910958, ClinGen allele CA349511876.
Genomic context (GRCh38, chr2:178,792,198, plus strand): 5'-GGCTTTAGCTGCGGAAATTACTACCTTTGGTACAAATGTTTTTTCAGTTTCTTTTCTTAT[C>G]TGCAAAGAATGATTTAAGAAAAAACTTTATTTCCTGATGCCCAATGAAATAATATGGTGT-3'